The following is an entry in ClinVar:

NM_006231.4(POLE):c.65A>G (p.Asp22Gly)

Gene: POLE (DNA polymerase epsilon, catalytic subunit; minus strand). Cytogenetic location: 12q24.33.
Variant type: single nucleotide variant.
Coding change: c.65A>G on transcript NM_006231.4 (MANE Select); coding-DNA position 65, A replaced by G.
Protein change: p.Asp22Gly; replaces aspartic acid 22 with glycine.
Molecular consequence: missense variant.
Genome position (GRCh38, 1-based): chr12:132,681,277, T>C on the plus strand (A>G on the coding strand, the complement: POLE is on the minus strand). VCF-style: chr12-132681277-T-C. GRCh37 (hg19) VCF-style: chr12-133257863-T-C.
Other names: short protein forms D22G.
Identifiers: ClinVar variation 4738679 (VCV004738679.1).

ClinVar aggregate classification (germline): Uncertain significance (1 of 4 stars; one submission).

Submission:

Labcorp Genetics (formerly Invitae), Labcorp
Classification: Uncertain significance. Last evaluated: 2025-06-06. Review status: criteria provided, single submitter. Criteria: Invitae Variant Classification Sherloc (09022015). Collection method: clinical testing. Allele origin: germline.
Comment: This sequence change replaces aspartic acid, which is acidic and polar, with glycine, which is neutral and non-polar, at codon 22 of the POLE protein (p.Asp22Gly). This variant is not present in population databases (gnomAD no frequency). This variant has not been reported in the literature in individuals affected with POLE-related conditions. An algorithm developed to predict the effect of missense changes on protein structure and function (PolyPhen-2) suggests that this variant is likely to be tolerated. In summary, the available evidence is currently insufficient to determine the role of this variant in disease. Therefore, it has been classified as a Variant of Uncertain Significance.